The following is an entry in ClinVar:

NM_000890.5(KCNJ5):c.1255G>A (p.Val419Met)

Gene: KCNJ5 (potassium inwardly rectifying channel subfamily J member 5; plus strand). Cytogenetic location: 11q24.3.
Variant type: single nucleotide variant.
Coding change: c.1255G>A on transcript NM_000890.5 (MANE Select); coding-DNA position 1255, G replaced by A.
Protein change: p.Val419Met; replaces valine 419 with methionine.
Molecular consequence: missense variant.
Genome position (GRCh38, 1-based): chr11:128,916,726, G>A. VCF-style: chr11-128916726-G-A. GRCh37 (hg19) VCF-style: chr11-128786621-G-A.
Other names: c.1255G>A, p.Val419Met (NM_001354169.2); short protein forms V419M.
Identifiers: ClinVar variation 4691428 (VCV004691428.1).
Genomic context (GRCh38, chr11:128,916,726, plus strand): 5'-GAGCAGAATGAAGAAGATGAGCCCAAGGGGCTGGGTGGGTCCAGGGAGGCCAGGGGCTCG[G>A]TGTGAGGGGTGCAGCCTCCCTAAGACCTCCTGTCACTGGCTTCAGTGAACACAGACACTG-3'
Protein context (NP_000881.3, residues 409-419): LGGSREARGS[Val419Met]

ClinVar aggregate classification (germline): Uncertain significance (1 of 4 stars; one submission).

Conditions:
Long QT syndrome (LQTS). Identifiers: MedGen C0023976, MeSH D008133, MONDO:0002442. Disease mechanism: loss of function. Inheritance: Various modes of inheritance.

gnomAD v4.1: 1 of 1,598,424 alleles (0.000063%); highest among the groups gnomAD compares: African/African-American, 0.0013%; no homozygotes.

Submission:

Labcorp Genetics (formerly Invitae), Labcorp
Classification: Uncertain significance for Long QT syndrome. Last evaluated: 2025-03-15. Review status: criteria provided, single submitter. Criteria: Invitae Variant Classification Sherloc (09022015). Collection method: clinical testing. Allele origin: germline.
Comment: This sequence change replaces valine, which is neutral and non-polar, with methionine, which is neutral and non-polar, at codon 419 of the KCNJ5 protein (p.Val419Met). This variant is not present in population databases (gnomAD no frequency). This variant has not been reported in the literature in individuals affected with KCNJ5-related conditions. Invitae Evidence Modeling of protein sequence and biophysical properties (such as structural, functional, and spatial information, amino acid conservation, physicochemical variation, residue mobility, and thermodynamic stability) indicates that this missense variant is not expected to disrupt KCNJ5 protein function with a negative predictive value of 95%. In summary, the available evidence is currently insufficient to determine the role of this variant in disease. Therefore, it has been classified as a Variant of Uncertain Significance.